The following is an entry in ClinVar:

NM_005619.5(RTN2):c.1222del (p.Asp408fs)

Genes: OPA3-RTN2 (OPA3-RTN2 readthrough; minus strand), RTN2 (reticulon 2; minus strand). Cytogenetic location: 19q13.32.
Variant type: Deletion.
Coding change: c.1222del on transcript NM_005619.5 (MANE Select); coding-DNA position 1222, one base deleted (G; older notation c.1222delG).
Protein change: p.Asp408fs; shifts the reading frame from aspartic acid 408.
Molecular consequence: frameshift variant.
Genome position (GRCh38, 1-based): chr19:45,489,365, C deleted on the plus strand (G on the coding strand, the reverse complement: RTN2 is on the minus strand); the first of 6 consecutive C bases (chr19:45,489,365-45,489,370); deleting any one gives the same sequence. VCF-style (leftmost placement, unchanged base first): chr19-45489364-TC-T. GRCh37 (hg19) VCF-style: chr19-45992622-TC-T.
Other names: c.1003del, p.Asp335fs (NM_206900.3); c.202del, p.Asp68fs (NM_206901.3); short protein forms D335fs, D408fs, D68fs.
Identifiers: ClinVar variation 4083245 (VCV004083245.1).

ClinVar aggregate classification (germline): Uncertain significance (1 of 4 stars; one submission).

Submission:

GeneDx
Classification: Uncertain significance. Last evaluated: 2025-03-12. Review status: criteria provided, single submitter. Criteria: GeneDx Variant Classification Process June 2021. Collection method: clinical testing. Allele origin: germline. Affected: yes.
Comment: Frameshift variant predicted to result in protein truncation or nonsense mediated decay in a gene or region of a gene for which loss of function is not a well-established mechanism of disease; Has not been previously published as pathogenic or benign to our knowledge